The following is an entry in ClinVar:

NM_002055.5(GFAP):c.140C>T (p.Pro47Leu)

Gene: GFAP (glial fibrillary acidic protein; minus strand). Cytogenetic location: 17q21.31.
Variant type: single nucleotide variant.
Coding change: c.140C>T on transcript NM_002055.5 (MANE Select); coding-DNA position 140, C replaced by T.
Protein change: p.Pro47Leu; replaces proline 47 with leucine.
Molecular consequence: missense variant.
Genome position (GRCh38, 1-based): chr17:44,915,347, G>A on the plus strand (C>T on the coding strand, the complement: GFAP is on the minus strand). VCF-style: chr17-44915347-G-A. GRCh37 (hg19) VCF-style: chr17-42992715-G-A.
Other names: NM_002055.5(GFAP):c.140C>T; c.140C>T, p.Pro47Leu (NM_001131019.3, NM_001242376.3, NM_001363846.2); short protein forms P47L.
Identifiers: ClinVar variation 66457 (VCV000066457.58), dbSNP rs57474185, ClinGen allele CA217146.

ClinVar aggregate classification (germline): Benign. Review status: reviewed by expert panel (3 of 4 stars). 13 submissions from 13 submitters: Benign (1). 12 of the submissions do not count toward it. Last evaluated 2026-08-18.

Conditions:
GFAP-related disorder. Also called: GFAP-related condition; GFAP-related disorders.
Inborn genetic diseases. Identifiers: MedGen C0950123, MeSH D030342.
Alexander disease (ALXDRD). Also called: Alexander's disease. Identifiers: Orphanet 58, MedGen C0270726, MONDO:0008752, OMIM 203450.

Allele frequency attached by ClinVar (database versions not stated): gnomAD exomes 0.00493; gnomAD 0.00534 and 0.00543; ESP Exome Variant Server 0.00723; 1000 Genomes Project 0.00200; TOPMed 0.00470; ExAC 0.00510; 1000 Genomes Project 30x 0.00172.
gnomAD v4.1: 10,990 of 1,612,262 alleles (0.68%); highest among the groups gnomAD compares: Non-Finnish European, 0.83%; 47 homozygotes.

Submissions (13):

ClinGen Leukodystrophy and Leukoencephalopathy Variant Curation Expert Panel, ClinGen
Classification: Benign for Alexander disease. Last evaluated: 2026-08-18. Review status: reviewed by expert panel. Criteria: ClinGen Leuko ACMG Specifications GFAP V1.0. Collection method: curation. Allele origin: germline. Inheritance: Autosomal dominant inheritance.
Comment: The NM_002055.5(GFAP):c.140C>T, variant in GFAP is a missense variant predicited to cause a substitution of proline by leucine at amino acid 47 (p.Pro47Leu). The GrpMax filtering allele frequency in gnomAD v4.1.1 is 0.008146 from the Non-Finnish European genetic ancestry group (the lower threshold of the 95% CI of 9764/1178656 alleles), which is higher than the ClinGen Leukodystrophy and Leukoencephalopathy Expert Panel Specifications to the ACMG/AMP Variant Interpretation Guidelines for GFAP Version 1.0.0 threshold ≥ 0.01% for BA1, and therefore meets this criterion (BA1). This variant has been observed in more than 43/1178656 homozygous individuals (BS2; ClinVar SCV: SCV000263019.5). In summary, this variant meets the criteria to be classified as benign based on the ACMG/AMP criteria applied, as specified by the ClinGen Leukodystrophy and Leukoencephalopathy VCEP: BA1, BS2 (ClinGen Leukodystrophy and Leukoencephalopathy VCEP Specifications Version 1.0.0).

CeGaT Center for Human Genetics Tuebingen
Classification: Benign. Last evaluated: 2026-09-01. Review status: criteria provided, single submitter. Criteria: CeGaT Center For Human Genetics Tuebingen Variant Classification Criteria Version 2. Collection method: clinical testing. Allele origin: germline. Affected: yes. Observed: 89 variant alleles. Not counted in ClinVar's aggregate classification.
Comment: GFAP: BS1, BS2

Labcorp Genetics (formerly Invitae), Labcorp
Classification: Benign. Last evaluated: 2026-01-26. Review status: criteria provided, single submitter. Criteria: Invitae Variant Classification Sherloc (09022015). Collection method: clinical testing. Allele origin: germline. Not counted in ClinVar's aggregate classification.

PreventionGenetics, part of Exact Sciences
Classification: Benign for GFAP-related condition. Last evaluated: 2024-12-18. Review status: criteria provided, single submitter. Criteria: ACMG Guidelines, 2015. Collection method: clinical testing. Allele origin: germline. Not counted in ClinVar's aggregate classification.
Comment: This variant is classified as benign based on ACMG/AMP sequence variant interpretation guidelines (Richards et al. 2015 PMID: 25741868, with internal and published modifications).

Blueprint Genetics
Classification: Likely benign. Last evaluated: 2024-11-27. Review status: criteria provided, single submitter. Criteria: ACMG Guidelines, 2015. Collection method: clinical testing. Allele origin: germline. Not counted in ClinVar's aggregate classification.

Athena Diagnostics
Classification: Benign. Last evaluated: 2023-12-29. Review status: criteria provided, single submitter. Criteria: Athena Diagnostics Criteria. Collection method: clinical testing. Allele origin: unknown. Not counted in ClinVar's aggregate classification.

Ambry Genetics
Classification: Benign for Inborn genetic diseases. Last evaluated: 2022-02-14. Review status: criteria provided, single submitter. Criteria: Ambry Variant Classification Scheme 2023. Collection method: clinical testing. Allele origin: germline. Not counted in ClinVar's aggregate classification.

Mendelics
Classification: Likely benign for Alexander disease. Last evaluated: 2019-05-28. Review status: criteria provided, single submitter. Criteria: Mendelics Assertion Criteria 2017. Collection method: clinical testing. Allele origin: unknown. Not counted in ClinVar's aggregate classification.

Center for Pediatric Genomic Medicine, Children's Mercy Hospital and Clinics
Classification: Likely benign. Last evaluated: 2016-12-29. Review status: criteria provided, single submitter. Criteria: ACMG Guidelines, 2015. Collection method: clinical testing. Allele origin: germline. Not counted in ClinVar's aggregate classification.
ClinVar note: Converted during submission from Likely Benign to Likely benign.

Mayo Clinic Laboratories, Mayo Clinic
Classification: Likely benign. Last evaluated: 2017-06-08. Review status: no assertion criteria provided. Collection method: clinical testing. Allele origin: unknown. Not counted in ClinVar's aggregate classification.

Diagnostic Laboratory, Department of Genetics, University Medical Center Groningen
Classification: Likely benign. Review status: no assertion criteria provided. Collection method: clinical testing. Allele origin: germline. Affected: yes. Study: VKGL Data-share Consensus. Not counted in ClinVar's aggregate classification.

Epithelial Biology;  Institute of Medical Biology, Singapore
No classification provided. Review status: no classification provided. Collection method: not provided. Allele origin: not provided. Not counted in ClinVar's aggregate classification.

Laboratory of Diagnostic Genome Analysis, Leiden University Medical Center (LUMC)
Classification: Likely benign. Review status: no assertion criteria provided. Collection method: clinical testing. Allele origin: germline. Affected: yes. Study: VKGL Data-share Consensus. Not counted in ClinVar's aggregate classification.

Literature cited by the submitters: PubMed 11138011 (cited by Athena Diagnostics); PubMed 22140645 (cited by Athena Diagnostics); PubMed 11398833 (cited by Athena Diagnostics).